The following is an entry in ClinVar:

ClinVar aggregate classification (germline): Conflicting classifications of pathogenicity. Review status: criteria provided, conflicting classifications (1 of 4 stars). 4 submissions from 4 submitters: Uncertain significance (1); Benign (1); Likely benign (1). 1 of the submissions does not count toward it. Last evaluated 2025-12-23.

Conditions:
FLCN-related disorder. Also called: FLCN-related condition.
Hereditary cancer-predisposing syndrome. Also called: Neoplastic Syndromes, Hereditary; Hereditary neoplastic syndrome; Tumor predisposition; Hereditary Cancer Syndrome. Identifiers: Orphanet 140162, MedGen C0027672, MeSH D009386, MONDO:0015356.
Birt-Hogg-Dube syndrome 1 (BHD1). Also called: FIBROFOLLICULOMAS WITH TRICHODISCOMAS AND ACROCHORDONS. Identifiers: Orphanet 122, MedGen CN375946, MONDO:0800445, OMIM 135150.
Birt-Hogg-Dube syndrome. Also called: Birt Hogg Dubé syndrome. Identifiers: Orphanet 122, MedGen C0346010, MONDO:0800444.

Allele frequency attached by ClinVar (database versions not stated): gnomAD 0.00001 and 0.00004; TOPMed 0.00004; gnomAD exomes 0.00011; ExAC 0.00012.
gnomAD v4.1: 27 of 1,606,550 alleles (0.0017%); highest among the groups gnomAD compares: East Asian, 0.036%; no homozygotes.

Submissions (4):

Labcorp Genetics (formerly Invitae), Labcorp
Classification: Likely benign for Birt-Hogg-Dube syndrome. Last evaluated: 2025-12-23. Review status: criteria provided, single submitter. Criteria: Invitae Variant Classification Sherloc (09022015). Collection method: clinical testing. Allele origin: germline.

Myriad Genetics, Inc.
Classification: Benign for Birt-Hogg-Dube syndrome 1. Last evaluated: 2024-10-23. Review status: criteria provided, single submitter. Criteria: Myriad Autosomal Dominant, Autosomal Recessive and X-Linked Classification Criteria (2023). Collection method: clinical testing. Allele origin: unknown.
Comment: This variant is considered benign. This variant is intronic and is not expected to impact mRNA splicing. This variant has been observed at a population frequency that is significantly greater than expected given the associated disease prevalence and penetrance.

Sema4
Classification: Uncertain significance for Hereditary cancer-predisposing syndrome. Last evaluated: 2021-09-25. Review status: criteria provided, single submitter. Criteria: Sema4 Curation Guidelines. Collection method: curation. Allele origin: germline.
Comment: The FLCN c.780-6C>T variant has not been reported in the literature to our knowledge. It was observed in 22/19744 chromosomes of the East Asian subpopulation in the Genome Aggregation Database (PMID: 32461654). The variant has been reported in ClinVar (Variation ID 530018). In silico tools suggest that the variant does not have an impact on splicing, though these predictions have not been confirmed by functional studies. This variant is not expected to be clinically significant as it is neither located in the highly conserved region of the splicing consensus sequence nor is it predicted to alter splicing, but the evidence is insufficient currently to prove that conclusively. Thus, the clinical significance of this variant is currently uncertain.

PreventionGenetics, part of Exact Sciences
Classification: Likely benign for FLCN-related condition. Last evaluated: 2022-02-25. Review status: no assertion criteria provided. Collection method: clinical testing. Allele origin: germline. Not counted in ClinVar's aggregate classification.
Comment: This variant is classified as likely benign based on ACMG/AMP sequence variant interpretation guidelines (Richards et al. 2015 PMID: 25741868, with internal and published modifications).

NM_144997.7(FLCN):c.780-6C>T

Gene: FLCN (folliculin; minus strand). Cytogenetic location: 17p11.2.
Variant type: single nucleotide variant.
Coding change: c.780-6C>T on transcript NM_144997.7 (MANE Select); 6 bases into the intron before coding-DNA position 780, C replaced by T.
Molecular consequence: intron variant.
Genome position (GRCh38, 1-based): chr17:17,221,634, G>A on the plus strand (C>T on the coding strand, the complement: FLCN is on the minus strand). VCF-style: chr17-17221634-G-A. GRCh37 (hg19) VCF-style: chr17-17124948-G-A.
Other names: c.780-6C>T (LRG_325t1, NM_001353231.2, NM_001353230.2 and 1 more transcripts); c.834-6C>T (NM_001353229.2).
Identifiers: ClinVar variation 530018 (VCV000530018.15), dbSNP rs752746072, ClinGen allele CA8416295.